The following is an entry in ClinVar:

NM_015386.3(COG4):c.751G>A (p.Ala251Thr)

Gene: COG4 (component of oligomeric golgi complex 4; minus strand). Cytogenetic location: 16q22.1.
Variant type: single nucleotide variant.
Coding change: c.751G>A on transcript NM_015386.3 (MANE Select); coding-DNA position 751, G replaced by A.
Protein change: p.Ala251Thr; replaces alanine 251 with threonine.
Molecular consequence: missense variant. On other transcripts: non-coding transcript variant (1).
Genome position (GRCh38, 1-based): chr16:70,510,009, C>T on the plus strand (G>A on the coding strand, the complement: COG4 is on the minus strand). VCF-style: chr16-70510009-C-T. GRCh37 (hg19) VCF-style: chr16-70543912-C-T.
Other names: c.739G>A, p.Ala247Thr (NM_001195139.2); c.325G>A, p.Ala109Thr (NM_001365426.1); c.751G>A (NM_015386.2); short protein forms A109T, A247T, A251T.
Identifiers: ClinVar variation 1052132 (VCV001052132.8), dbSNP rs771178085, ClinGen allele CA8144587.
Genomic context (GRCh38, chr16:70,510,009, plus strand): 5'-TGACTGCAGCTCTCCGATCACTCATGTCTGTCCCCAGCACCATGAGCAGATTCTCCTCAG[C>T]TTTACTGGCCACCTAAAAAAGGAGAAAACCCACACACATTCCTCAGAAAGGTCACCCTCA-3'
Protein context (NP_056201.2, residues 241-261): EYLCKQVASK[Ala251Thr]EENLLMVLGT

ClinVar aggregate classification (germline): Uncertain significance. Review status: criteria provided, multiple submitters, no conflicts (2 of 4 stars). 2 submissions from 2 submitters: Uncertain significance (2). Last evaluated 2025-02-24.

Conditions:
Inborn genetic diseases. Identifiers: MedGen C0950123, MeSH D030342.
COG4-congenital disorder of glycosylation. Also called: COG4-CDG; CONGENITAL DISORDER OF GLYCOSYLATION, TYPE IIj; CDG IIj. Identifiers: Orphanet 263501, MedGen C4303552, MONDO:0013281, OMIM 613489.

Allele frequency attached by ClinVar (database versions not stated): gnomAD 0.00002; gnomAD exomes 0.00002 and 0.00007; TOPMed 0.00005; ExAC 0.00007.
gnomAD v4.1: 29 of 1,613,700 alleles (0.0018%); highest among the groups gnomAD compares: Admixed American, 0.032%; no homozygotes.

Submissions (2):

Labcorp Genetics (formerly Invitae), Labcorp
Classification: Uncertain significance for COG4-congenital disorder of glycosylation. Last evaluated: 2025-02-24. Review status: criteria provided, single submitter. Criteria: Invitae Variant Classification Sherloc (09022015). Collection method: clinical testing. Allele origin: germline.
Comment: This sequence change replaces alanine, which is neutral and non-polar, with threonine, which is neutral and polar, at codon 251 of the COG4 protein (p.Ala251Thr). This variant is present in population databases (rs771178085, gnomAD 0.04%). This variant has not been reported in the literature in individuals affected with COG4-related conditions. ClinVar contains an entry for this variant (Variation ID: 1052132). Invitae Evidence Modeling of protein sequence and biophysical properties (such as structural, functional, and spatial information, amino acid conservation, physicochemical variation, residue mobility, and thermodynamic stability) indicates that this missense variant is not expected to disrupt COG4 protein function with a negative predictive value of 80%. In summary, the available evidence is currently insufficient to determine the role of this variant in disease. Therefore, it has been classified as a Variant of Uncertain Significance.

Ambry Genetics
Classification: Uncertain significance for Inborn genetic diseases. Last evaluated: 2024-09-27. Review status: criteria provided, single submitter. Criteria: Ambry Variant Classification Scheme 2023. Collection method: clinical testing. Allele origin: germline.